The following is an entry in ClinVar:

ClinVar aggregate classification (germline): Pathogenic (1 of 4 stars; one submission).

Conditions:
Renal tubulopathies.

Submission:

Genetics Laboratory, Great Ormond Street Hospital NHS Foundation Trust, North Thames Genomic Laboratory Hub
Classification: Pathogenic for Renal tubulopathies. Last evaluated: 2025-08-15. Review status: criteria provided, single submitter. Criteria: ACGS Best Practice Guidelines for Variant Classification in Rare Disease 2024 v1.2. Collection method: clinical testing. Allele origin: germline. Affected: yes.
Comment: PM2_moderate, PVS1_very-strong

NM_000901.5(NR3C2):c.2509_2510+2del

Gene: NR3C2 (nuclear receptor subfamily 3 group C member 2; minus strand). Cytogenetic location: 4q31.23.
Variant type: Deletion.
Coding change: c.2509_2510+2del on transcript NM_000901.5 (MANE Select); coding-DNA position 2509 through the canonical splice donor site of the intron after coding-DNA position 2510, 4 bases deleted (GAGT; older notation c.2509_2510+2delGAGT).
Molecular consequence: splice donor variant.
Genome position (GRCh38, 1-based): chr4:148,152,467-148,152,470, ACTC deleted on the plus strand (GAGT on the coding strand, the reverse complement: NR3C2 is on the minus strand); deleting any 4 consecutive bases within chr4:148,152,467-148,152,471 gives the same sequence; the c. name uses the placement nearest the transcript's 3' end. VCF-style (leftmost placement, unchanged base first): chr4-148152466-TACTC-T. GRCh37 (hg19) VCF-style: chr4-149073617-TACTC-T.
Other names: c.2509_2510+2del (NM_001437655.1, NM_001437654.1, NM_001437656.1 and 1 more transcripts); c.2158_2159+2del (NM_001354819.1, NM_001166104.2); c.2521_2522+2del (NM_001437657.1).
Identifiers: ClinVar variation 4280062 (VCV004280062.1).